The following is an entry in ClinVar:

ClinVar aggregate classification (germline): Likely benign. Review status: criteria provided, multiple submitters, no conflicts (2 of 4 stars). 3 submissions from 3 submitters: Likely benign (3). Last evaluated 2025-07-06.

Conditions:
F5-related disorder. Also called: F5-related condition.
Congenital factor V deficiency. Also called: Hereditary factor V deficiency disease; LABILE FACTOR DEFICIENCY; OWREN PARAHEMOPHILIA; PARAHEMOPHILIA. Identifiers: Orphanet 326, MedGen C0015499, MONDO:0009210, OMIM 227400.
Inborn genetic diseases. Identifiers: MedGen C0950123, MeSH D030342.

Allele frequency attached by ClinVar (database versions not stated): gnomAD exomes 0.00004 and 0.00022; gnomAD 0.00005; TOPMed 0.00007; ExAC 0.00022.
gnomAD v4.1: 64 of 1,613,622 alleles (0.004%); highest among the groups gnomAD compares: Admixed American, 0.1%; no homozygotes.

Submissions (3):

Ambry Genetics
Classification: Likely benign for Inborn genetic diseases. Last evaluated: 2025-07-06. Review status: criteria provided, single submitter. Criteria: Ambry Variant Classification Scheme 2023. Collection method: clinical testing. Allele origin: germline.

PreventionGenetics, part of Exact Sciences
Classification: Likely benign for F5-related condition. Last evaluated: 2025-02-19. Review status: criteria provided, single submitter. Criteria: ACMG Guidelines, 2015. Collection method: clinical testing. Allele origin: germline.
Comment: This variant is classified as likely benign based on ACMG/AMP sequence variant interpretation guidelines (Richards et al. 2015 PMID: 25741868, with internal and published modifications).

Labcorp Genetics (formerly Invitae), Labcorp
Classification: Likely benign for Congenital factor V deficiency. Last evaluated: 2024-10-23. Review status: criteria provided, single submitter. Criteria: Invitae Variant Classification Sherloc (09022015). Collection method: clinical testing. Allele origin: germline.

NM_000130.5(F5):c.5262A>T (p.Gly1754=)

Gene: F5 (coagulation factor V; minus strand). Cytogenetic location: 1q24.2.
Variant type: single nucleotide variant.
Coding change: c.5262A>T on transcript NM_000130.5 (MANE Select); coding-DNA position 5262, A replaced by T.
Protein change: p.Gly1754=; no amino-acid change (glycine 1754 retained).
Molecular consequence: synonymous variant.
Genome position (GRCh38, 1-based): chr1:169,529,765, T>A on the plus strand (A>T on the coding strand, the complement: F5 is on the minus strand). VCF-style: chr1-169529765-T-A. GRCh37 (hg19) VCF-style: chr1-169499003-T-A.
Identifiers: ClinVar variation 720417 (VCV000720417.8), dbSNP rs759827034, ClinGen allele CA1233535.
Genomic context (GRCh38, chr1:169,529,765, plus strand): 5'-CATAAATAGTAAGACAAATTCTCTCATGTCCATAGGCATGTTGCTGTCCTTATGTAGTAT[T>A]CCTTTTTGGCAGATTAGGAGGGGACCTATCAAGCCTGAGTGAATATCTTTTTCCTGGAAA-3'
Protein context (NP_000121.2, residues 1744-1764): LIGPLLICQK[Gly1754=]ILHKDSNMPM